The following is an entry in ClinVar:

NM_020719.3(PRR12):c.678T>G (p.Pro226=)

Gene: PRR12 (proline rich 12; plus strand). Cytogenetic location: 19q13.33.
Variant type: single nucleotide variant.
Coding change: c.678T>G on transcript NM_020719.3 (MANE Select); coding-DNA position 678, T replaced by G.
Protein change: p.Pro226=; no amino-acid change (proline 226 retained).
Molecular consequence: synonymous variant.
Genome position (GRCh38, 1-based): chr19:49,595,013, T>G. VCF-style: chr19-49595013-T-G. GRCh37 (hg19) VCF-style: chr19-50098270-T-G.
Identifiers: ClinVar variation 3037708 (VCV003037708.2), dbSNP rs1599784304, ClinGen allele CA508287794.

ClinVar aggregate classification (germline): Likely benign (0 of 4 stars; one submission).

Conditions:
PRR12-related disorder. Also called: PRR12-related condition.

Submission:

PreventionGenetics, part of Exact Sciences
Classification: Likely benign for PRR12-related condition. Last evaluated: 2019-05-02. Review status: no assertion criteria provided. Collection method: clinical testing. Allele origin: germline.
Comment: This variant is classified as likely benign based on ACMG/AMP sequence variant interpretation guidelines (Richards et al. 2015 PMID: 25741868, with internal and published modifications).